The following is an entry in ClinVar:

ClinVar aggregate classification (germline): Uncertain significance (1 of 4 stars; one submission).

Conditions:
Cohen syndrome (COH1). Also called: Cutis verticis gyrata, retinitis pigmentosa, and sensorineural deafness; PEPPER SYNDROME. Identifiers: Orphanet 193, MedGen C0265223, MONDO:0008999, OMIM 216550.

Submission:

Labcorp Genetics (formerly Invitae), Labcorp
Classification: Uncertain significance for Cohen syndrome. Last evaluated: 2021-10-05. Review status: criteria provided, single submitter. Criteria: Invitae Variant Classification Sherloc (09022015). Collection method: clinical testing. Allele origin: germline.
Comment: In summary, the available evidence is currently insufficient to determine the role of this variant in disease. Therefore, it has been classified as a Variant of Uncertain Significance. Algorithms developed to predict the effect of sequence changes on RNA splicing suggest that this variant may create or strengthen a splice site. Algorithms developed to predict the effect of missense changes on protein structure and function output the following: SIFT: "Not Available"; PolyPhen-2: "Possibly Damaging"; Align-GVGD: "Not Available". The glycine amino acid residue is found in multiple mammalian species, which suggests that this missense change does not adversely affect protein function. This variant has not been reported in the literature in individuals affected with VPS13B-related conditions. This variant is not present in population databases (ExAC no frequency). This sequence change replaces aspartic acid with glycine at codon 3073 of the VPS13B protein (p.Asp3073Gly). The aspartic acid residue is moderately conserved and there is a moderate physicochemical difference between aspartic acid and glycine.

NM_152564.5(VPS13B):c.9143A>G (p.Asp3048Gly)

Gene: VPS13B (vacuolar protein sorting 13 homolog B; plus strand). Cytogenetic location: 8q22.2.
Variant type: single nucleotide variant.
Coding change: c.9143A>G on transcript NM_152564.5 (MANE Select); coding-DNA position 9143, A replaced by G.
Protein change: p.Asp3048Gly; replaces aspartic acid 3048 with glycine.
Molecular consequence: missense variant.
Genome position (GRCh38, 1-based): chr8:99,821,442, A>G. VCF-style: chr8-99821442-A-G. GRCh37 (hg19) VCF-style: chr8-100833670-A-G.
Other names: c.9218A>G, p.Asp3073Gly (NM_017890.5); short protein forms D3048G, D3073G.
Identifiers: ClinVar variation 1384788 (VCV001384788.6), dbSNP rs2130822238, ClinGen allele CA371779178.